The following is an entry in ClinVar:

ClinVar aggregate classification (germline): Pathogenic/Likely pathogenic. Review status: criteria provided, multiple submitters, no conflicts (2 of 4 stars). 4 submissions from 4 submitters: Pathogenic (1); Likely pathogenic (1). 2 of the submissions do not count toward it. Last evaluated 2026-09-21.

Conditions:
Renal carnitine transport defect (CDSP). Also called: Primary carnitine deficiency; Systemic primary carnitine deficiency disease; CARNITINE DEFICIENCY, SYSTEMIC, DUE TO DEFECT IN RENAL REABSORPTION OF CARNITINE; CARNITINE TRANSPORTER, PLASMA-MEMBRANE, DEFICIENCY OF; CARNITINE UPTAKE DEFECT; Systemic primary carnitine deficiency. Identifiers: Orphanet 158, MedGen C0342788, MONDO:0008919, OMIM 212140.

Allele frequency attached by ClinVar (database versions not stated): ExAC 0.00001; gnomAD 0.00001; gnomAD exomes 0.00001 and 0.00003; TOPMed 0.00002.

Submissions (4):

GeneDx
Classification: Likely pathogenic. Last evaluated: 2026-09-21. Review status: criteria provided, single submitter. Criteria: GeneDx Variant Classification Process June 2021. Collection method: clinical testing. Allele origin: germline.
Comment: Frameshift variant predicted to result in abnormal protein length as the last 141 amino acid(s) are replaced with 105 different amino acid(s), and other similar variants have been reported in HGMD; Not observed at significant frequency in large population cohorts (gnomAD); Has not been previously published as pathogenic or benign to our knowledge; This variant is associated with the following publications: (PMID: 10545605, 31589614)

Labcorp Genetics (formerly Invitae), Labcorp
Classification: Pathogenic for Renal carnitine transport defect. Last evaluated: 2025-12-14. Review status: criteria provided, single submitter. Criteria: Invitae Variant Classification Sherloc (09022015). Collection method: clinical testing. Allele origin: germline.
Comment: This sequence change creates a premature translational stop signal (p.Met417Ilefs*106) in the SLC22A5 gene. While this is not anticipated to result in nonsense mediated decay, it is expected to disrupt the last 141 amino acid(s) of the SLC22A5 protein. This variant is present in population databases (rs781330134, gnomAD 0.0009%). This variant has not been reported in the literature in individuals affected with SLC22A5-related conditions. ClinVar contains an entry for this variant (Variation ID: 503649). This variant disrupts a region of the SLC22A5 protein in which other variant(s) (p.Asp519Thrfs*7) have been determined to be pathogenic (internal data). This suggests that this is a clinically significant region of the protein, and that variants that disrupt it are likely to be disease-causing. For these reasons, this variant has been classified as Pathogenic.

Natera, Inc.
Classification: Likely pathogenic for Primary systemic carnitine deficiency. Last evaluated: 2020-09-16. Review status: no assertion criteria provided. Collection method: clinical testing. Allele origin: germline. Not counted in ClinVar's aggregate classification.

Counsyl
Classification: Likely pathogenic for Renal carnitine transport defect. Last evaluated: 2014-05-28. Review status: no assertion criteria provided. Collection method: clinical testing. Allele origin: unknown. Not counted in ClinVar's aggregate classification.

NM_003060.4(SLC22A5):c.1250dup (p.Met417fs)

Gene: SLC22A5 (solute carrier family 22 member 5; plus strand). Cytogenetic location: 5q31.1.
Variant type: Duplication.
Coding change: c.1250dup on transcript NM_003060.4 (MANE Select); coding-DNA position 1250, one base duplicated (T; older notation c.1250dupT).
Protein change: p.Met417fs; shifts the reading frame from methionine 417.
Molecular consequence: frameshift variant.
Genome position (GRCh38, 1-based): chr5:132,390,887, T duplicated. VCF-style (leftmost placement, unchanged base first): chr5-132390886-A-AT. GRCh37 (hg19) VCF-style: chr5-131726578-A-AT.
Other names: c.1250dup (NM_003060.3); c.1250dupT (NM_003060.3, NM_003060.4); c.1322dup, p.Met441fs (NM_001308122.2); short protein forms M417fs, M441fs.
Identifiers: ClinVar variation 503649 (VCV000503649.16), dbSNP rs781330134, ClinGen allele CA3404105.